The following is an entry in ClinVar:

ClinVar aggregate classification (germline): Conflicting classifications of pathogenicity. Review status: criteria provided, conflicting classifications (1 of 4 stars). 9 submissions from 8 submitters: Uncertain significance (5); Likely benign (2). 2 of the submissions do not count toward it. Last evaluated 2026-01-26.

Conditions:
RAB3GAP2-related disorder. Also called: RAB3GAP2-related condition; RAB3GAP2-related disorders.
Warburg micro syndrome 2 (WARBM2). Also called: MICRO SYNDROME 2. Identifiers: Orphanet 2510, MedGen C3280214, MONDO:0013641, OMIM 614225.
Martsolf syndrome (MARTS). Also called: Congenital cataract with intellectual disability and hypogonadotropic hypogonadism syndrome. Identifiers: Orphanet 1387, MedGen C0796037, MONDO:0023910.

Allele frequency attached by ClinVar (database versions not stated): 1000 Genomes Project 0.00060; 1000 Genomes Project 30x 0.00078; gnomAD 0.00097; TOPMed 0.00102; gnomAD exomes 0.00103 and 0.00160; ExAC 0.00106; ESP Exome Variant Server 0.00138.

Submissions (9):

Labcorp Genetics (formerly Invitae), Labcorp
Classification: Likely benign for Martsolf syndrome; Warburg micro syndrome 2. Last evaluated: 2026-01-26. Review status: criteria provided, single submitter. Criteria: Invitae Variant Classification Sherloc (09022015). Collection method: clinical testing. Allele origin: germline.

GeneDx
Classification: Likely benign. Last evaluated: 2021-05-12. Review status: criteria provided, single submitter. Criteria: GeneDx Variant Classification Process June 2021. Collection method: clinical testing. Allele origin: germline. Affected: yes.

Fulgent Genetics
Classification: Uncertain significance for Martsolf syndrome 1; Warburg micro syndrome 2. Last evaluated: 2018-10-31. Review status: criteria provided, single submitter. Criteria: ACMG Guidelines, 2015. Collection method: clinical testing. Allele origin: unknown.

Illumina Laboratory Services, Illumina
Classification: Uncertain significance for Warburg micro syndrome 2. Last evaluated: 2018-01-13. Review status: criteria provided, single submitter. Criteria: ICSL Variant Classification Criteria 13 December 2019. Collection method: clinical testing. Allele origin: germline.

Illumina Laboratory Services, Illumina
Classification: Uncertain significance for Martsolf syndrome 1. Last evaluated: 2018-01-13. Review status: criteria provided, single submitter. Criteria: ICSL Variant Classification Criteria 13 December 2019. Collection method: clinical testing. Allele origin: germline.

Center for Pediatric Genomic Medicine, Children's Mercy Hospital and Clinics
Classification: Uncertain significance. Last evaluated: 2016-01-21. Review status: criteria provided, single submitter. Criteria: ACMG Guidelines, 2015. Collection method: clinical testing. Allele origin: germline.
ClinVar note: Converted during submission from Uncertain Significance to Uncertain significance.

Genetic Services Laboratory, University of Chicago
Classification: Uncertain significance. Last evaluated: 2015-11-18. Review status: criteria provided, single submitter. Criteria: ACMG Guidelines, 2015. Collection method: clinical testing. Allele origin: germline. Affected: no.

PreventionGenetics, part of Exact Sciences
Classification: Likely benign for RAB3GAP2-related condition. Last evaluated: 2022-02-03. Review status: no assertion criteria provided. Collection method: clinical testing. Allele origin: germline. Not counted in ClinVar's aggregate classification.
Comment: This variant is classified as likely benign based on ACMG/AMP sequence variant interpretation guidelines (Richards et al. 2015 PMID: 25741868, with internal and published modifications).

Department of Pathology and Laboratory Medicine, Sinai Health System
Classification: Uncertain significance. Review status: no assertion criteria provided. Collection method: clinical testing. Allele origin: unknown. Affected: yes. Study: The Canadian Open Genetics Repository (COGR). Not counted in ClinVar's aggregate classification.
Comment: The RAB3GAP2 p.Leu764Phe variant was not identified in the literature but was identified in dbSNP (ID: rs139337049) and ClinVar (classified as uncertain significance by Invitae, Illumina, Genetic Services Laboratory, University of Chicago, Fulgent Genetics and Center for Pediatric Genomic Medicine, Children's Mercy Hospital and Clinics). The variant was identified in control databases in 280 of 282664 chromosomes at a frequency of 0.0009906 increasing the likelihood this could be a low frequency benign variant (Genome Aggregation Database March 6, 2019, v2.1.1). The variant was observed in the following populations: Ashkenazi Jewish in 28 of 10362 chromosomes (freq: 0.002702), European (non-Finnish) in 206 of 129038 chromosomes (freq: 0.001596), Other in 11 of 7216 chromosomes (freq: 0.001524), Latino in 18 of 35436 chromosomes (freq: 0.000508), South Asian in 12 of 30614 chromosomes (freq: 0.000392), African in 4 of 24946 chromosomes (freq: 0.00016) and European (Finnish) in 1 of 25102 chromosomes (freq: 0.00004), but was not observed in the East Asian population. The p.Leu764 residue is conserved in mammals but not in more distantly related organisms however four out of five computational analyses (PolyPhen-2, SIFT, AlignGVGD, BLOSUM, MutationTaster) do not suggest a high likelihood of impact to the protein; this information is not predictive enough to rule out pathogenicity. The variant occurs outside of the splicing consensus sequence and in silico or computational prediction software programs (SpliceSiteFinder, MaxEntScan, NNSPLICE, GeneSplicer) do not predict a difference in splicing. In summary, based on the above information the clinical significance of this variant cannot be determined with certainty at this time. This variant is classified as a variant of uncertain significance.

NM_012414.4(RAB3GAP2):c.2290C>T (p.Leu764Phe)

Gene: RAB3GAP2 (RAB3 GTPase activating non-catalytic protein subunit 2; minus strand). Cytogenetic location: 1q41.
Variant type: single nucleotide variant.
Coding change: c.2290C>T on transcript NM_012414.4 (MANE Select); coding-DNA position 2290, C replaced by T.
Protein change: p.Leu764Phe; replaces leucine 764 with phenylalanine.
Molecular consequence: missense variant.
Genome position (GRCh38, 1-based): chr1:220,182,277, G>A on the plus strand (C>T on the coding strand, the complement: RAB3GAP2 is on the minus strand). VCF-style: chr1-220182277-G-A. GRCh37 (hg19) VCF-style: chr1-220355619-G-A.
Other names: short protein forms L764F.
Identifiers: ClinVar variation 235683 (VCV000235683.30), dbSNP rs139337049, ClinGen allele CA1402470.
Genomic context (GRCh38, chr1:220,182,277, plus strand): 5'-CACAAGGAAGAACAGCATCCAGCAACCAAAAAAACCTTACCAACAACAGCTGAGGGCTAA[G>A]ACCAGCCGACTCCAAAGTGTGACACATATCCTCAGTGGAGCTTTCTCCATGCAAACACTT-3'
Protein context (NP_036546.2, residues 754-774): DMCHTLESAG[Leu764Phe]SPQLLLSLLL